The following is an entry in ClinVar:

ClinVar aggregate classification (germline): Uncertain significance (1 of 4 stars; one submission).

Conditions:
MEGF8-related Carpenter syndrome. Also called: Carpenter syndrome 2. Identifiers: Orphanet 65759, MedGen C3554247, MONDO:0013998, OMIM 614976.

Allele frequency attached by ClinVar (database versions not stated): gnomAD 0.00002; gnomAD exomes 0.00004 and 0.00021; TOPMed 0.00005; ExAC 0.00026.
gnomAD v4.1: 64 of 1,613,920 alleles (0.004%); highest among the groups gnomAD compares: Admixed American, 0.092%; no homozygotes.

Submission:

Labcorp Genetics (formerly Invitae), Labcorp
Classification: Uncertain significance for MEGF8-related Carpenter syndrome. Last evaluated: 2025-07-10. Review status: criteria provided, single submitter. Criteria: Invitae Variant Classification Sherloc (09022015). Collection method: clinical testing. Allele origin: germline.
Comment: This sequence change falls in intron 4 of the MEGF8 gene. It does not directly change the encoded amino acid sequence of the MEGF8 protein. It affects a nucleotide within the consensus splice site. This variant is present in population databases (rs772336647, gnomAD 0.1%). This variant has not been reported in the literature in individuals affected with MEGF8-related conditions. ClinVar contains an entry for this variant (Variation ID: 1412248). Variants that disrupt the consensus splice site are a relatively common cause of aberrant splicing (PMID: 17576681, 9536098). Algorithms developed to predict the effect of sequence changes on RNA splicing suggest that this variant is not likely to affect RNA splicing. In summary, the available evidence is currently insufficient to determine the role of this variant in disease. Therefore, it has been classified as a Variant of Uncertain Significance.

Literature cited by the submitters: PubMed 17576681; PubMed 9536098.

NM_001271938.2(MEGF8):c.739+3G>A

Gene: MEGF8 (multiple EGF like domains 8; plus strand). Cytogenetic location: 19q13.2.
Variant type: single nucleotide variant.
Coding change: c.739+3G>A on transcript NM_001271938.2 (MANE Select); 3 bases into the intron after coding-DNA position 739, G replaced by A.
Molecular consequence: intron variant.
Genome position (GRCh38, 1-based): chr19:42,335,218, G>A. VCF-style: chr19-42335218-G-A. GRCh37 (hg19) VCF-style: chr19-42839370-G-A.
Other names: c.739+3G>A (NM_001410.3).
Identifiers: ClinVar variation 1412248 (VCV001412248.5), dbSNP rs772336647, ClinGen allele CA9474249.